The following is an entry in ClinVar:

ClinVar aggregate classification (germline): Uncertain significance. Review status: criteria provided, single submitter (1 of 4 stars). 2 submissions from 2 submitters: Uncertain significance (1). 1 of the submissions does not count toward it. Last evaluated 2022-07-24.

Conditions:
Inborn genetic diseases. Identifiers: MedGen C0950123, MeSH D030342.
PRR12-related disorder. Also called: PRR12-related condition.

Allele frequency attached by ClinVar (database versions not stated): TOPMed below 0.00001; gnomAD 0.00001.
gnomAD v4.1: 7 of 1,602,240 alleles (0.00044%); highest among the groups gnomAD compares: Middle Eastern, 0.016%; no homozygotes.

Submissions (2):

Ambry Genetics
Classification: Uncertain significance for Inborn genetic diseases. Last evaluated: 2022-07-24. Review status: criteria provided, single submitter. Criteria: Ambry Variant Classification Scheme 2023. Collection method: clinical testing. Allele origin: germline.

PreventionGenetics, part of Exact Sciences
Classification: Likely benign for PRR12-related condition. Last evaluated: 2024-01-27. Review status: no assertion criteria provided. Collection method: clinical testing. Allele origin: germline. Not counted in ClinVar's aggregate classification.
Comment: This variant is classified as likely benign based on ACMG/AMP sequence variant interpretation guidelines (Richards et al. 2015 PMID: 25741868, with internal and published modifications).

NM_020719.3(PRR12):c.1531G>A (p.Gly511Ser)

Gene: PRR12 (proline rich 12; plus strand). Cytogenetic location: 19q13.33.
Variant type: single nucleotide variant.
Coding change: c.1531G>A on transcript NM_020719.3 (MANE Select); coding-DNA position 1531, G replaced by A.
Protein change: p.Gly511Ser; replaces glycine 511 with serine.
Molecular consequence: missense variant.
Genome position (GRCh38, 1-based): chr19:49,595,866, G>A. VCF-style: chr19-49595866-G-A. GRCh37 (hg19) VCF-style: chr19-50099123-G-A.
Other names: c.1531G>A (NM_020719.2); short protein forms G511S.
Identifiers: ClinVar variation 2218407 (VCV002218407.4), dbSNP rs1221194383, ClinGen allele CA406865895.
Genomic context (GRCh38, chr19:49,595,866, plus strand): 5'-CTGGCCACATGTCAGAGCTACTCCCCGGACCAGCTGCAGGGGCAGCTGTATGGGGTGCAG[G>A]GCGAGCCATACCCAGGGCCAGCCGCCCACTCCCAGGGGCTGCCCACAGCCAGCCCCTCGC-3'
Protein context (NP_065770.1, residues 501-521): QLQGQLYGVQ[Gly511Ser]EPYPGPAAHS